The following is an entry in ClinVar:

NM_000038.6(APC):c.8205A>T (p.Gly2735=)

Gene: APC (APC regulator of Wnt signaling pathway; plus strand). Cytogenetic location: 5q22.2.
Variant type: single nucleotide variant.
Coding change: c.8205A>T on transcript NM_000038.6 (MANE Select); coding-DNA position 8205, A replaced by T.
Protein change: p.Gly2735=; no amino-acid change (glycine 2735 retained).
Molecular consequence: synonymous variant. On other transcripts: non-coding transcript variant (2).
Genome position (GRCh38, 1-based): chr5:112,843,799, A>T. VCF-style: chr5-112843799-A-T. GRCh37 (hg19) VCF-style: chr5-112179496-A-T.
Other names: c.8205A>T, p.Gly2735= (NM_001127510.3, NM_001354895.2, NM_001407450.1); c.8151A>T, p.Gly2717= (NM_001127511.3); c.8259A>T, p.Gly2753= (NM_001354896.2, NM_001407447.1, NM_001407448.1 and 1 more transcripts); c.8235A>T, p.Gly2745= (NM_001354897.2); c.8130A>T, p.Gly2710= (NM_001354898.2); c.8121A>T, p.Gly2707= (NM_001354899.2); c.8082A>T, p.Gly2694= (NM_001354900.2); c.8028A>T, p.Gly2676= (NM_001354901.2, NM_001407453.1); and 11 more.
Identifiers: ClinVar variation 3254145 (VCV003254145.1), dbSNP rs2150000966.

ClinVar aggregate classification (germline): Benign (1 of 4 stars; one submission).

Conditions:
Familial adenomatous polyposis 1 (FAP1). Also called: FAMILIAL ADENOMATOUS POLYPOSIS 1, ATTENUATED; POLYPOSIS, ADENOMATOUS INTESTINAL. Identifiers: MedGen C2713442, MONDO:0021056, OMIM 175100. Disease mechanism: loss of function.

Submission:

Myriad Genetics, Inc.
Classification: Benign for Familial adenomatous polyposis 1. Last evaluated: 2024-04-12. Review status: criteria provided, single submitter. Criteria: Myriad Autosomal Dominant, Autosomal Recessive and X-Linked Classification Criteria (2023). Collection method: clinical testing. Allele origin: unknown.
Comment: This variant is considered benign. This variant is a silent/synonymous amino acid change and it is not expected to impact splicing.